The following is an entry in ClinVar:

NM_203447.4(DOCK8):c.1019C>T (p.Ser340Phe)

Gene: DOCK8 (dedicator of cytokinesis 8; plus strand). Cytogenetic location: 9p24.3.
Variant type: single nucleotide variant.
Coding change: c.1019C>T on transcript NM_203447.4 (MANE Select); coding-DNA position 1019, C replaced by T.
Protein change: p.Ser340Phe; replaces serine 340 with phenylalanine.
Molecular consequence: missense variant.
Genome position (GRCh38, 1-based): chr9:328,146, C>T. VCF-style: chr9-328146-C-T. GRCh37 (hg19) VCF-style: chr9-328146-C-T.
Other names: c.815C>T, p.Ser272Phe (NM_001190458.2, NM_001193536.2); short protein forms S340F, S272F.
Identifiers: ClinVar variation 4774531 (VCV004774531.1).

ClinVar aggregate classification (germline): Uncertain significance (1 of 4 stars; one submission).

Conditions:
Combined immunodeficiency due to DOCK8 deficiency (HIES2). Also called: HIES autosomal recessive; Hyper-IgE recurrent infection syndrome, autosomal recessive; HYPER-IgE RECURRENT INFECTION SYNDROME 2, AUTOSOMAL RECESSIVE; HYPER-IgE SYNDROME 2, AUTOSOMAL RECESSIVE, WITH RECURRENT INFECTIONS; DOCK8 Deficiency. Identifiers: Orphanet 217390, MedGen C4722305, MONDO:0009478, OMIM 243700.

Submission:

Labcorp Genetics (formerly Invitae), Labcorp
Classification: Uncertain significance for Combined immunodeficiency due to DOCK8 deficiency. Last evaluated: 2026-02-01. Review status: criteria provided, single submitter. Criteria: Invitae Variant Classification Sherloc (09022015). Collection method: clinical testing. Allele origin: germline.
Comment: This sequence change replaces serine, which is neutral and polar, with phenylalanine, which is neutral and non-polar, at codon 340 of the DOCK8 protein (p.Ser340Phe). This variant is not present in population databases (gnomAD no frequency). This variant has not been reported in the literature in individuals affected with DOCK8-related conditions. Invitae Evidence Modeling of protein sequence and biophysical properties (such as structural, functional, and spatial information, amino acid conservation, physicochemical variation, residue mobility, and thermodynamic stability) indicates that this missense variant is expected to disrupt DOCK8 protein function with a positive predictive value of 80%. In summary, the available evidence is currently insufficient to determine the role of this variant in disease. Therefore, it has been classified as a Variant of Uncertain Significance.